The following is an entry in ClinVar:

ClinVar aggregate classification (germline): Uncertain significance (1 of 4 stars; one submission).

Allele frequency attached by ClinVar (database versions not stated): gnomAD exomes 0.00002; ExAC 0.00003.
gnomAD v4.1: 27 of 1,603,080 alleles (0.0017%); highest among the groups gnomAD compares: South Asian, 0.027%; no homozygotes.

Submission:

Labcorp Genetics (formerly Invitae), Labcorp
Classification: Uncertain significance. Last evaluated: 2023-10-13. Review status: criteria provided, single submitter. Criteria: Invitae Variant Classification Sherloc (09022015). Collection method: clinical testing. Allele origin: germline.
Comment: This sequence change replaces serine, which is neutral and polar, with asparagine, which is neutral and polar, at codon 193 of the ERBIN protein (p.Ser193Asn). This variant is present in population databases (rs769094058, gnomAD 0.02%). This variant has not been reported in the literature in individuals affected with ERBIN-related conditions. An algorithm developed to predict the effect of missense changes on protein structure and function (PolyPhen-2) suggests that this variant is likely to be tolerated. In summary, the available evidence is currently insufficient to determine the role of this variant in disease. Therefore, it has been classified as a Variant of Uncertain Significance.

NM_001253697.2(ERBIN):c.578G>A (p.Ser193Asn)

Gene: ERBIN (erbb2 interacting protein; plus strand). Cytogenetic location: 5q12.3.
Variant type: single nucleotide variant.
Coding change: c.578G>A on transcript NM_001253697.2 (MANE Select); coding-DNA position 578, G replaced by A.
Protein change: p.Ser193Asn; replaces serine 193 with asparagine.
Molecular consequence: missense variant.
Genome position (GRCh38, 1-based): chr5:66,021,366, G>A. VCF-style: chr5-66021366-G-A. GRCh37 (hg19) VCF-style: chr5-65317194-G-A.
Other names: c.578G>A, p.Ser193Asn (NM_001006600.3, NM_001253698.2, NM_001253699.2 and 2 more transcripts); short protein forms S193N.
Identifiers: ClinVar variation 2777723 (VCV002777723.3), dbSNP rs769094058, ClinGen allele CA3285973.